The following is an entry in ClinVar:

NM_001363711.2(DUOX2):c.2922-3C>T

Gene: DUOX2 (dual oxidase 2; minus strand). Cytogenetic location: 15q21.1.
Variant type: single nucleotide variant.
Coding change: c.2922-3C>T on transcript NM_001363711.2 (MANE Select); 3 bases into the intron before coding-DNA position 2922, C replaced by T.
Molecular consequence: intron variant.
Genome position (GRCh38, 1-based): chr15:45,100,841, G>A on the plus strand (C>T on the coding strand, the complement: DUOX2 is on the minus strand). VCF-style: chr15-45100841-G-A. GRCh37 (hg19) VCF-style: chr15-45393039-G-A.
Other names: c.2922-3C>T (NM_014080.5).
Identifiers: ClinVar variation 2856796 (VCV002856796.3), dbSNP rs2504753594, ClinGen allele CA2739278661.

ClinVar aggregate classification (germline): Uncertain significance (1 of 4 stars; one submission).

Submission:

Labcorp Genetics (formerly Invitae), Labcorp
Classification: Uncertain significance. Last evaluated: 2023-11-14. Review status: criteria provided, single submitter. Criteria: Invitae Variant Classification Sherloc (09022015). Collection method: clinical testing. Allele origin: germline.
Comment: This sequence change falls in intron 22 of the DUOX2 gene. It does not directly change the encoded amino acid sequence of the DUOX2 protein. It affects a nucleotide within the consensus splice site. This variant is not present in population databases (gnomAD no frequency). This variant has not been reported in the literature in individuals affected with DUOX2-related conditions. Variants that disrupt the consensus splice site are a relatively common cause of aberrant splicing (PMID: 17576681, 9536098). Algorithms developed to predict the effect of sequence changes on RNA splicing suggest that this variant is not likely to affect RNA splicing. In summary, the available evidence is currently insufficient to determine the role of this variant in disease. Therefore, it has been classified as a Variant of Uncertain Significance.

Literature cited by the submitters: PubMed 17576681; PubMed 9536098.